The following is an entry in ClinVar:

ClinVar aggregate classification (germline): Uncertain significance (1 of 4 stars; one submission).

Conditions:
Hypertrophic cardiomyopathy. Also called: HYPERTROPHIC MYOCARDIOPATHY. Identifiers: Orphanet 217569, MedGen C0007194, MeSH D002312, MONDO:0005045, HP:0001639.

Submission:

Labcorp Genetics (formerly Invitae), Labcorp
Classification: Uncertain significance for Hypertrophic cardiomyopathy. Last evaluated: 2026-01-15. Review status: criteria provided, single submitter. Criteria: Invitae Variant Classification Sherloc (09022015). Collection method: clinical testing. Allele origin: germline.
Comment: This sequence change falls in intron 24 of the MYBPC3 gene. It does not directly change the encoded amino acid sequence of the MYBPC3 protein. It affects a nucleotide within the consensus splice site. This variant is not present in population databases (gnomAD no frequency). This variant has not been reported in the literature in individuals affected with MYBPC3-related conditions. ClinVar contains an entry for this variant (Variation ID: 3663636). Variants that disrupt the consensus splice site are a relatively common cause of aberrant splicing (PMID: 17576681, 9536098). Algorithms developed to predict the effect of sequence changes on RNA splicing suggest that this variant is not likely to affect RNA splicing. In summary, the available evidence is currently insufficient to determine the role of this variant in disease. Therefore, it has been classified as a Variant of Uncertain Significance.

Literature cited by the submitters: PubMed 17576681; PubMed 9536098.

NM_000256.3(MYBPC3):c.2413+3G>A

Gene: MYBPC3 (myosin binding protein C3; minus strand). Cytogenetic location: 11p11.2.
Variant type: single nucleotide variant.
Coding change: c.2413+3G>A on transcript NM_000256.3 (MANE Select); 3 bases into the intron after coding-DNA position 2413, G replaced by A.
Molecular consequence: intron variant.
Genome position (GRCh38, 1-based): chr11:47,337,687, C>T on the plus strand (G>A on the coding strand, the complement: MYBPC3 is on the minus strand). VCF-style: chr11-47337687-C-T. GRCh37 (hg19) VCF-style: chr11-47359238-C-T.
Identifiers: ClinVar variation 3663636 (VCV003663636.2).